The following is an entry in ClinVar:

ClinVar aggregate classification (germline): Uncertain significance. Review status: criteria provided, multiple submitters, no conflicts (2 of 4 stars). 3 submissions from 3 submitters: Uncertain significance (3). Last evaluated 2026-01-22.

Conditions:
Brain small vessel disease 1 with or without ocular anomalies (BSVD1). Also called: GOULD SYNDROME 1; PORENCEPHALY, TYPE 1, AUTOSOMAL DOMINANT; BRAIN SMALL VESSEL DISEASE WITH HEMORRHAGE; Brain small vessel disease with or without ocular anomalies. Identifiers: Orphanet 2940, Orphanet 36383, Orphanet 99810, MedGen C4755307, MONDO:0008289, OMIM 175780.

Allele frequency attached by ClinVar (database versions not stated): TOPMed 0.00002; ExAC 0.00002; gnomAD exomes 0.00001.
gnomAD v4.1: 21 of 1,614,092 alleles (0.0013%); highest among the groups gnomAD compares: African/African-American, 0.0013%; no homozygotes.

Submissions (3):

3billion
Classification: Uncertain significance for Brain small vessel disease 1 with or without ocular anomalies. Last evaluated: 2026-01-22. Review status: criteria provided, single submitter. Criteria: ACMG Guidelines, 2015. Collection method: clinical testing. Allele origin: germline. Affected: yes.
Comment: The variant is observed at an extremely low frequency in the gnomAD v4.1.0 dataset (total allele frequency: 0.001%). Predicted Consequence/Location: Missense variant Therefore, this variant is classified as VUS according to the recommendation of ACMG/AMP guideline.

Labcorp Genetics (formerly Invitae), Labcorp
Classification: Uncertain significance. Last evaluated: 2025-02-10. Review status: criteria provided, single submitter. Criteria: Invitae Variant Classification Sherloc (09022015). Collection method: clinical testing. Allele origin: germline.
Comment: This sequence change replaces glutamine, which is neutral and polar, with arginine, which is basic and polar, at codon 66 of the COL4A1 protein (p.Gln66Arg). The frequency data for this variant in the population databases is considered unreliable, as metrics indicate poor data quality at this position in the gnomAD database. This variant has not been reported in the literature in individuals affected with COL4A1-related conditions. ClinVar contains an entry for this variant (Variation ID: 2044833). Invitae Evidence Modeling of protein sequence and biophysical properties (such as structural, functional, and spatial information, amino acid conservation, physicochemical variation, residue mobility, and thermodynamic stability) indicates that this missense variant is not expected to disrupt COL4A1 protein function with a negative predictive value of 95%. In summary, the available evidence is currently insufficient to determine the role of this variant in disease. Therefore, it has been classified as a Variant of Uncertain Significance.

Women's Health and Genetics/Laboratory Corporation of America, LabCorp
Classification: Uncertain significance. Last evaluated: 2024-11-13. Review status: criteria provided, single submitter. Criteria: LabCorp Variant Classification Summary - May 2015. Collection method: clinical testing. Allele origin: germline.
Comment: Variant summary: COL4A1 c.197A>G (p.Gln66Arg) results in a conservative amino acid change in the encoded protein sequence. Three of five in-silico tools predict a benign effect of the variant on protein function. The variant allele was found at a frequency of 1.6e-05 in 251488 control chromosomes. The available data on variant occurrences in the general population are insufficient to allow any conclusion about variant significance. To our knowledge, no occurrence of c.197A>G in individuals affected with Porencephaly 1 and no experimental evidence demonstrating its impact on protein function have been reported. ClinVar contains an entry for this variant (Variation ID: 2044833). Based on the evidence outlined above, the variant was classified as uncertain significance.

Literature cited by the submitters: PubMed 31230195 (cited by 3billion).

NM_001845.6(COL4A1):c.197A>G (p.Gln66Arg)

Gene: COL4A1 (collagen type IV alpha 1 chain; minus strand). Cytogenetic location: 13q34.
Variant type: single nucleotide variant.
Coding change: c.197A>G on transcript NM_001845.6 (MANE Select); coding-DNA position 197, A replaced by G.
Protein change: p.Gln66Arg; replaces glutamine 66 with arginine.
Molecular consequence: missense variant.
Genome position (GRCh38, 1-based): chr13:110,213,963, T>C on the plus strand (A>G on the coding strand, the complement: COL4A1 is on the minus strand). VCF-style: chr13-110213963-T-C. GRCh37 (hg19) VCF-style: chr13-110866310-T-C.
Other names: c.197A>G, p.Gln66Arg (NM_001303110.2); short protein forms Q66R.
Identifiers: ClinVar variation 2044833 (VCV002044833.6), dbSNP rs765863981, ClinGen allele CA7048641.